The following is an entry in ClinVar:

NM_153026.3(PRICKLE1):c.1919A>G (p.Asn640Ser)

Gene: PRICKLE1 (prickle planar cell polarity protein 1; minus strand). Cytogenetic location: 12q12.
Variant type: single nucleotide variant.
Coding change: c.1919A>G on transcript NM_153026.3 (MANE Select); coding-DNA position 1919, A replaced by G.
Protein change: p.Asn640Ser; replaces asparagine 640 with serine.
Molecular consequence: missense variant.
Genome position (GRCh38, 1-based): chr12:42,460,386, T>C on the plus strand (A>G on the coding strand, the complement: PRICKLE1 is on the minus strand). VCF-style: chr12-42460386-T-C. GRCh37 (hg19) VCF-style: chr12-42854188-T-C.
Other names: c.1919A>G, p.Asn640Ser (NM_001144881.2, NM_001144882.2, NM_001144883.2); short protein forms N640S.
Identifiers: ClinVar variation 1003430 (VCV001003430.6), dbSNP rs139937830, ClinGen allele CA6519679.

ClinVar aggregate classification (germline): Uncertain significance (1 of 4 stars; one submission).

Conditions:
Epilepsy, progressive myoclonic, 1B. Also called: PME. Identifiers: Orphanet 308, MedGen C2676254, MONDO:0012904, OMIM 612437.

Allele frequency attached by ClinVar (database versions not stated): gnomAD exomes below 0.00001 and 0.00001; TOPMed below 0.00001; gnomAD 0.00001 and 0.00002; ExAC 0.00002; 1000 Genomes Project 30x 0.00031; 1000 Genomes Project 0.00040.
gnomAD v4.1: 7 of 1,614,094 alleles (0.00043%); highest among the groups gnomAD compares: African/African-American, 0.004%; no homozygotes.

Submission:

Labcorp Genetics (formerly Invitae), Labcorp
Classification: Uncertain significance for Epilepsy, progressive myoclonic, 1B. Last evaluated: 2022-03-23. Review status: criteria provided, single submitter. Criteria: Invitae Variant Classification Sherloc (09022015). Collection method: clinical testing. Allele origin: germline.
Comment: This sequence change replaces asparagine, which is neutral and polar, with serine, which is neutral and polar, at codon 640 of the PRICKLE1 protein (p.Asn640Ser). This variant is present in population databases (rs139937830, gnomAD 0.01%). This variant has not been reported in the literature in individuals affected with PRICKLE1-related conditions. ClinVar contains an entry for this variant (Variation ID: 1003430). Algorithms developed to predict the effect of missense changes on protein structure and function are either unavailable or do not agree on the potential impact of this missense change (SIFT: "Deleterious"; PolyPhen-2: "Benign"; Align-GVGD: "Class C0"). Algorithms developed to predict the effect of sequence changes on RNA splicing suggest that this variant may create or strengthen a splice site. In summary, the available evidence is currently insufficient to determine the role of this variant in disease. Therefore, it has been classified as a Variant of Uncertain Significance.